The following is an entry in ClinVar:

ClinVar aggregate classification (germline): Benign. Review status: criteria provided, multiple submitters, no conflicts (2 of 4 stars). 3 submissions from 3 submitters: Benign (3). Last evaluated 2021-07-30.

Conditions:
Primary coenzyme Q10 deficiency 8. Identifiers: MedGen C4225226, MONDO:0014754, OMIM 616733.

Allele frequency attached by ClinVar (database versions not stated): 1000 Genomes Project 30x 0.86946; TOPMed 0.87295; 1000 Genomes Project 0.87520; ESP Exome Variant Server 0.88218; ExAC 0.93524; gnomAD exomes 0.93661.
gnomAD v4.1: 1,499,456 of 1,580,616 alleles (95%); highest among the groups gnomAD compares: East Asian, 97%; 714,397 homozygotes.

Submissions (3):

Genome-Nilou Lab
Classification: Benign for Primary coenzyme Q10 deficiency 8. Last evaluated: 2021-07-30. Review status: criteria provided, single submitter. Criteria: ACMG Guidelines, 2015. Collection method: clinical testing. Allele origin: germline. Affected: no.

GeneDx
Classification: Benign. Last evaluated: 2018-06-14. Review status: criteria provided, single submitter. Criteria: GeneDx Variant Classification (06012015). Collection method: clinical testing. Allele origin: germline. Affected: yes.
Comment: This variant is considered likely benign or benign based on one or more of the following criteria: it is a conservative change, it occurs at a poorly conserved position in the protein, it is predicted to be benign by multiple in silico algorithms, and/or has population frequency not consistent with disease.

Breakthrough Genomics
Classification: Benign. Review status: criteria provided, single submitter. Criteria: ACMG Guidelines, 2015. Collection method: not provided. Allele origin: germline. Inheritance: Autosomal recessive inheritance. Affected: yes.

NM_016138.5(COQ7):c.73+36T>G

Genes: COQ7 (coenzyme Q7, hydroxylase; plus strand), LOC130058587 (ATAC-STARR-seq lymphoblastoid silent region 7240; plus strand). Cytogenetic location: 16p12.3.
Variant type: single nucleotide variant.
Coding change: c.73+36T>G on transcript NM_016138.5 (MANE Select); 36 bases into the intron after coding-DNA position 73, T replaced by G.
Molecular consequence: intron variant. On other transcripts: 5 prime UTR variant (1).
Genome position (GRCh38, 1-based): chr16:19,067,773, T>G. VCF-style: chr16-19067773-T-G. GRCh37 (hg19) VCF-style: chr16-19079095-T-G.
Other names: c.-99T>G (NM_001370494.1); c.73+36T>G (NM_001370490.1).
Identifiers: ClinVar variation 683572 (VCV000683572.5), dbSNP rs4531717, ClinGen allele CA7932858.